The following is an entry in ClinVar:

ClinVar aggregate classification (germline): Likely pathogenic (1 of 4 stars; one submission).

Conditions:
Primary ciliary dyskinesia 3. Identifiers: Orphanet 244, MedGen C1837618, MONDO:0012085, OMIM 608644.

Submission:

Myriad Genetics, Inc.
Classification: Likely pathogenic for Primary ciliary dyskinesia 3. Last evaluated: 2022-03-15. Review status: criteria provided, single submitter. Criteria: Myriad Women's Health Autosomal Recessive and X-Linked Classification Criteria (2021). Collection method: clinical testing. Allele origin: unknown.
Comment: NM_001369.2(DNAH5):c.12459_12460ins10(P4154Cfs*16) is expected to be pathogenic in the context of DNAH5-related primary ciliary dyskinesia. This variant is predicted to lead to an abnormal or absent protein product due to the creation of a premature termination codon in DNAH5, a gene where loss-of-function variants are known to be pathogenic. Please note: this variant was assessed in the context of healthy population screening.

NM_001369.3(DNAH5):c.12459_12460insTGTTTTTTTT (p.Pro4154fs)

Gene: DNAH5 (dynein axonemal heavy chain 5; minus strand). Cytogenetic location: 5p15.2.
Variant type: Microsatellite.
Coding change: c.12459_12460insTGTTTTTTTT on transcript NM_001369.3 (MANE Select); coding-DNA positions 12459 to 12460, TGTTTTTTTT inserted.
Protein change: p.Pro4154fs; shifts the reading frame from proline 4154.
Molecular consequence: frameshift variant.
Genome position: GRCh38 VCF-style: chr5-13718921-G-GAAAAAAAACA. GRCh37 (hg19) VCF-style: chr5-13719030-G-GAAAAAAAACA.
Other names: short protein forms P4154fs.
Identifiers: ClinVar variation 1725279 (VCV001725279.2), dbSNP rs2546517770.
Genomic context (GRCh38, chr5:13,718,921, plus strand): 5'-CGCAAGTATTTCTGGACTCACCACTATATGTTCTTTTCAGTCCTGCCCGGAGTCCTTGTG[G>GAAAAAAAACA]AGGATCGTTGGCAAATTTAATGGACATCTGAAGGAGTGTAATGGGAAACTGCTTATGAGC-3'